The following is an entry in ClinVar:

NM_001127198.5(TMC6):c.846G>A (p.Pro282=)

Gene: TMC6 (transmembrane channel like 6; minus strand). Cytogenetic location: 17q25.3.
Variant type: single nucleotide variant.
Coding change: c.846G>A on transcript NM_001127198.5 (MANE Select); coding-DNA position 846, G replaced by A.
Protein change: p.Pro282=; no amino-acid change (proline 282 retained).
Molecular consequence: synonymous variant.
Genome position (GRCh38, 1-based): chr17:78,124,569, C>T on the plus strand (G>A on the coding strand, the complement: TMC6 is on the minus strand). VCF-style: chr17-78124569-C-T. GRCh37 (hg19) VCF-style: chr17-76120650-C-T.
Other names: c.846G>A, p.Pro282= (NM_001321185.1, NM_001374593.1, NM_001374594.1 and 4 more transcripts).
Identifiers: ClinVar variation 1166368 (VCV001166368.12), dbSNP rs375656448, ClinGen allele CA8795985.

ClinVar aggregate classification (germline): Benign. Review status: criteria provided, single submitter (1 of 4 stars). 2 submissions from 2 submitters: Benign (1). 1 of the submissions does not count toward it. Last evaluated 2026-01-02.

Conditions:
TMC6-related disorder. Also called: TMC6-related condition.
Epidermodysplasia verruciformis. Identifiers: Orphanet 302, MedGen C0014522, MONDO:0009176.

Allele frequency attached by ClinVar (database versions not stated): 1000 Genomes Project 30x 0.00016; ExAC 0.00020; gnomAD 0.00054 and 0.00061; TOPMed 0.00066; ESP Exome Variant Server 0.00078; gnomAD exomes 0.00015.
gnomAD v4.1: 168 of 1,612,088 alleles (0.01%); highest among the groups gnomAD compares: African/African-American, 0.18%; no homozygotes.

Submissions (3):

Labcorp Genetics (formerly Invitae), Labcorp
Classification: Benign for Epidermodysplasia verruciformis. Last evaluated: 2026-01-02. Review status: criteria provided, single submitter. Criteria: Invitae Variant Classification Sherloc (09022015). Collection method: clinical testing. Allele origin: germline.

PreventionGenetics, part of Exact Sciences
Classification: Likely benign for TMC6-related condition. Last evaluated: 2023-12-04. Review status: no assertion criteria provided. Collection method: clinical testing. Allele origin: germline. Not counted in ClinVar's aggregate classification.
Comment: This variant is classified as likely benign based on ACMG/AMP sequence variant interpretation guidelines (Richards et al. 2015 PMID: 25741868, with internal and published modifications).

Dr. Peter K. Rogan Lab, Western University
No classification provided (evidence only). Condition: Gastric cancer. Review status: no classification provided. Collection method: in vitro. Allele origin: not applicable. Functional consequence: retained intron. Not counted in ClinVar's aggregate classification.